The following is an entry in ClinVar:

NM_001256470.2(PLEKHA5):c.2622G>A (p.Gly874=)

Gene: PLEKHA5 (pleckstrin homology domain containing A5; plus strand). Cytogenetic location: 12p12.3.
Variant type: single nucleotide variant.
Coding change: c.2622G>A on transcript NM_001256470.2 (MANE Select); coding-DNA position 2622, G replaced by A.
Protein change: p.Gly874=; no amino-acid change (glycine 874 retained).
Molecular consequence: synonymous variant. On other transcripts: non-coding transcript variant (6).
Genome position (GRCh38, 1-based): chr12:19,343,394, G>A. VCF-style: chr12-19343394-G-A. GRCh37 (hg19) VCF-style: chr12-19496328-G-A.
Other names: c.1989G>A, p.Gly663= (NM_001385955.1, NM_001385956.1, NM_001385957.1 and 8 more transcripts); c.1905G>A, p.Gly635= (NM_001385960.1, NM_001385961.1, NM_001385964.1); c.1887G>A, p.Gly629= (NM_001385962.1); c.1884G>A, p.Gly628= (NM_001385963.1); c.1842G>A, p.Gly614= (NM_001385965.1); c.1839G>A, p.Gly613= (NM_001385966.1); c.1818G>A, p.Gly606= (NM_001385967.1); c.2487G>A, p.Gly829= (NM_001385968.1, NM_001143821.3); and 20 more.
Identifiers: ClinVar variation 3039301 (VCV003039301.2), dbSNP rs148911990, ClinGen allele CA6472671.

ClinVar aggregate classification (germline): Benign (0 of 4 stars; one submission).

Conditions:
PLEKHA5-related disorder. Also called: PLEKHA5-related condition.

Allele frequency attached by ClinVar (database versions not stated): 1000 Genomes Project 0.00479; TOPMed 0.00521; ESP Exome Variant Server 0.00523; ExAC 0.00137; gnomAD 0.00470; 1000 Genomes Project 30x 0.00468.
gnomAD v4.1: 1,386 of 1,613,044 alleles (0.086%); highest among the groups gnomAD compares: African/African-American, 1.7%; 8 homozygotes.

Submission:

PreventionGenetics, part of Exact Sciences
Classification: Benign for PLEKHA5-related condition. Last evaluated: 2019-07-29. Review status: no assertion criteria provided. Collection method: clinical testing. Allele origin: germline.
Comment: This variant is classified as benign based on ACMG/AMP sequence variant interpretation guidelines (Richards et al. 2015 PMID: 25741868, with internal and published modifications).